The following is an entry in ClinVar:

ClinVar aggregate classification (germline): Uncertain significance (1 of 4 stars; one submission).

Allele frequency attached by ClinVar (database versions not stated): gnomAD exomes below 0.00001; gnomAD 0.00001; TOPMed 0.00001.
gnomAD v4.1: 3 of 1,551,526 alleles (0.00019%); highest among the groups gnomAD compares: African/African-American, 0.0027%; no homozygotes.

Submission:

Labcorp Genetics (formerly Invitae), Labcorp
Classification: Uncertain significance. Last evaluated: 2022-08-09. Review status: criteria provided, single submitter. Criteria: Invitae Variant Classification Sherloc (09022015). Collection method: clinical testing. Allele origin: germline.
Comment: In summary, the available evidence is currently insufficient to determine the role of this variant in disease. Therefore, it has been classified as a Variant of Uncertain Significance. Algorithms developed to predict the effect of missense changes on protein structure and function are either unavailable or do not agree on the potential impact of this missense change (SIFT: "Not Available"; PolyPhen-2: "Benign"; Align-GVGD: "Not Available"). This variant has not been reported in the literature in individuals affected with UNC80-related conditions. This variant is not present in population databases (gnomAD no frequency). This sequence change replaces methionine, which is neutral and non-polar, with valine, which is neutral and non-polar, at codon 2565 of the UNC80 protein (p.Met2565Val).

NM_001371986.1(UNC80):c.7891A>G (p.Met2631Val)

Gene: UNC80 (unc-80 homolog, NALCN channel complex subunit; plus strand). Cytogenetic location: 2q34.
Variant type: single nucleotide variant.
Coding change: c.7891A>G on transcript NM_001371986.1 (MANE Select); coding-DNA position 7891, A replaced by G.
Protein change: p.Met2631Val; replaces methionine 2631 with valine.
Molecular consequence: missense variant.
Genome position (GRCh38, 1-based): chr2:209,967,522, A>G. VCF-style: chr2-209967522-A-G. GRCh37 (hg19) VCF-style: chr2-210832246-A-G.
Other names: c.7693A>G, p.Met2565Val (NM_032504.2); c.7678A>G, p.Met2560Val (NM_182587.4); short protein forms M2560V, M2565V, M2631V.
Identifiers: ClinVar variation 2414532 (VCV002414532.4), dbSNP rs1183580018, ClinGen allele CA350777276.
Genomic context (GRCh38, chr2:209,967,522, plus strand): 5'-CTGAAGCTGGCACCATATGACACTCAGACAATGGAGAGTCGTGGGCTTCGGCGCTACATC[A>G]TGGAGATGCTACCCATTACTGACTGGACAGCTGAGGCAGTGAGGCCGGCCCTCATCCTCA-3'
Protein context (NP_001358915.1, residues 2621-2641): MESRGLRRYI[Met2631Val]EMLPITDWTA